The following is an entry in ClinVar:

NM_001999.4(FBN2):c.3742A>G (p.Ile1248Val)

Gene: FBN2 (fibrillin 2; minus strand). Cytogenetic location: 5q23.3.
Variant type: single nucleotide variant.
Coding change: c.3742A>G on transcript NM_001999.4 (MANE Select); coding-DNA position 3742, A replaced by G.
Protein change: p.Ile1248Val; replaces isoleucine 1248 with valine.
Molecular consequence: missense variant.
Genome position (GRCh38, 1-based): chr5:128,335,560, T>C on the plus strand (A>G on the coding strand, the complement: FBN2 is on the minus strand). VCF-style: chr5-128335560-T-C. GRCh37 (hg19) VCF-style: chr5-127671252-T-C.
Other names: short protein forms I1248V.
Identifiers: ClinVar variation 1311824 (VCV001311824.5), dbSNP rs144933639, ClinGen allele CA3395144.

ClinVar aggregate classification (germline): Conflicting classifications of pathogenicity. Review status: criteria provided, conflicting classifications (1 of 4 stars). 2 submissions from 2 submitters: Uncertain significance (1); Likely benign (1). Last evaluated 2023-08-30.

Conditions:
Congenital contractural arachnodactyly (CCA). Also called: Arthrogryposis, distal, type 9; BEALS SYNDROME; Beals-Hecht syndrome. Identifiers: Orphanet 115, MedGen C0220668, MONDO:0007363, OMIM 121050.

Allele frequency attached by ClinVar (database versions not stated): gnomAD exomes 0.00001 and 0.00003; ExAC 0.00003; gnomAD 0.00008 and 0.00009; TOPMed 0.00012; ESP Exome Variant Server 0.00015.
gnomAD v4.1: 24 of 1,614,076 alleles (0.0015%); highest among the groups gnomAD compares: African/African-American, 0.023%; no homozygotes.

Submissions (2):

Labcorp Genetics (formerly Invitae), Labcorp
Classification: Likely benign for Congenital contractural arachnodactyly. Last evaluated: 2023-08-30. Review status: criteria provided, single submitter. Criteria: Invitae Variant Classification Sherloc (09022015). Collection method: clinical testing. Allele origin: germline.

GeneDx
Classification: Uncertain significance. Last evaluated: 2020-01-10. Review status: criteria provided, single submitter. Criteria: GeneDx Variant Classification Process June 2021. Collection method: clinical testing. Allele origin: germline. Affected: yes.
Comment: Has not been previously published as pathogenic or benign to our knowledge; In-silico analysis, which includes splice predictors and evolutionary conservation, is inconclusive as to whether the variant alters gene splicing. In the absence of RNA/functional studies, the actual effect of this sequence change is unknown.